The following is an entry in ClinVar:

NM_003737.4(DCHS1):c.9383C>T (p.Ala3128Val)

Gene: DCHS1 (dachsous cadherin-related 1; minus strand). Cytogenetic location: 11p15.4.
Variant type: single nucleotide variant.
Coding change: c.9383C>T on transcript NM_003737.4 (MANE Select); coding-DNA position 9383, C replaced by T.
Protein change: p.Ala3128Val; replaces alanine 3128 with valine.
Molecular consequence: missense variant.
Genome position (GRCh38, 1-based): chr11:6,622,293, G>A on the plus strand (C>T on the coding strand, the complement: DCHS1 is on the minus strand). VCF-style: chr11-6622293-G-A. GRCh37 (hg19) VCF-style: chr11-6643524-G-A.
Other names: short protein forms A3128V.
Identifiers: ClinVar variation 4616992 (VCV004616992.2).
Genomic context (GRCh38, chr11:6,622,293, plus strand): 5'-GTCAGCGCACCTGCCACACATGGCTTGCCATCTGCTGGGAAGCCATAGTCCCCAGTGGGT[G>A]CAGGGCTCAGGCCACAGCCCCCCAGGAAGGCTGTGGCAGTGGCTGGGGGCCCCTCCTCTC-3'
Protein context (NP_003728.1, residues 3118-3138): AFLGGCGLSP[Ala3128Val]PTGDYGFPAD

ClinVar aggregate classification (germline): Uncertain significance. Review status: criteria provided, multiple submitters, no conflicts (2 of 4 stars). 2 submissions from 2 submitters: Uncertain significance (2). Last evaluated 2025-10-24.

Conditions:
Inborn genetic diseases. Identifiers: MedGen C0950123, MeSH D030342.

Submissions (2):

Labcorp Genetics (formerly Invitae), Labcorp
Classification: Uncertain significance. Last evaluated: 2025-10-24. Review status: criteria provided, single submitter. Criteria: Invitae Variant Classification Sherloc (09022015). Collection method: clinical testing. Allele origin: germline.
Comment: This sequence change replaces alanine, which is neutral and non-polar, with valine, which is neutral and non-polar, at codon 3128 of the DCHS1 protein (p.Ala3128Val). The frequency data for this variant in the population databases is considered unreliable, as metrics indicate poor data quality at this position in the gnomAD database. This variant has not been reported in the literature in individuals affected with DCHS1-related conditions. Invitae Evidence Modeling of protein sequence and biophysical properties (such as structural, functional, and spatial information, amino acid conservation, physicochemical variation, residue mobility, and thermodynamic stability) indicates that this missense variant is not expected to disrupt DCHS1 protein function with a negative predictive value of 80%. In summary, the available evidence is currently insufficient to determine the role of this variant in disease. Therefore, it has been classified as a Variant of Uncertain Significance.

Ambry Genetics
Classification: Uncertain significance for Inborn genetic diseases. Last evaluated: 2025-10-18. Review status: criteria provided, single submitter. Criteria: Ambry Variant Classification Scheme 2023. Collection method: clinical testing. Allele origin: germline.